The following is an entry in ClinVar:

NM_001330078.2(NRXN1):c.2410C>G (p.Leu804Val)

Gene: NRXN1 (neurexin 1; minus strand). Cytogenetic location: 2p16.3.
Variant type: single nucleotide variant.
Coding change: c.2410C>G on transcript NM_001330078.2 (MANE Select); coding-DNA position 2410, C replaced by G.
Protein change: p.Leu804Val; replaces leucine 804 with valine.
Molecular consequence: missense variant.
Genome position (GRCh38, 1-based): chr2:50,506,582, G>C on the plus strand (C>G on the coding strand, the complement: NRXN1 is on the minus strand). VCF-style: chr2-50506582-G-C. GRCh37 (hg19) VCF-style: chr2-50733720-G-C.
Other names: c.2530C>G, p.Leu844Val (NM_001135659.3); c.2386C>G, p.Leu796Val (NM_001330077.2, NM_001330082.2); c.2344C>G, p.Leu782Val (NM_001330083.2, NM_001330084.2); c.2383C>G, p.Leu795Val (NM_001330085.2); c.2410C>G, p.Leu804Val (NM_001330086.2, NM_004801.6); c.2299C>G, p.Leu767Val (NM_001330087.2, NM_001330096.2); c.2329C>G, p.Leu777Val (NM_001330088.2); c.2407C>G, p.Leu803Val (NM_001330093.2); and 2 more; short protein forms L767V, L782V, L796V, L803V, L804V, L787V, L795V, L844V.
Identifiers: ClinVar variation 3630662 (VCV003630662.2).
Genomic context (GRCh38, chr2:50,506,582, plus strand): 5'-TTAACTTTAAACTTTTTCCACGCCGAACTACACGCACTGTGTGCCACTCGTTATCATTGA[G>C]GTTATAGCCAGCAAAAAGAGTCTCGGGACCTTTGCCTGTAGAATATGCCAAACAGTCATT-3'
Protein context (NP_001317007.1, residues 794-814): GPETLFAGYN[Leu804Val]NDNEWHTVRV

ClinVar aggregate classification (germline): Uncertain significance (1 of 4 stars; one submission).

Conditions:
Pitt-Hopkins-like syndrome 2 (PTHSL2). Identifiers: Orphanet 221150, Orphanet 600663, MedGen C3280479, MONDO:0013690, OMIM 614325.

Submission:

Labcorp Genetics (formerly Invitae), Labcorp
Classification: Uncertain significance for Pitt-Hopkins-like syndrome 2. Last evaluated: 2024-05-22. Review status: criteria provided, single submitter. Criteria: Invitae Variant Classification Sherloc (09022015). Collection method: clinical testing. Allele origin: germline.
Comment: This sequence change replaces leucine, which is neutral and non-polar, with valine, which is neutral and non-polar, at codon 844 of the NRXN1 protein (p.Leu844Val). This variant is not present in population databases (gnomAD no frequency). This variant has not been reported in the literature in individuals affected with NRXN1-related conditions. An algorithm developed to predict the effect of missense changes on protein structure and function (PolyPhen-2) suggests that this variant is likely to be disruptive. In summary, the available evidence is currently insufficient to determine the role of this variant in disease. Therefore, it has been classified as a Variant of Uncertain Significance.